The following is an entry in ClinVar:

ClinVar aggregate classification (germline): Pathogenic (1 of 4 stars; one submission).

Submission:

GeneDx
Classification: Pathogenic. Last evaluated: 2016-07-28. Review status: criteria provided, single submitter. Criteria: GeneDx Variant Classification (06012015). Collection method: clinical testing. Allele origin: germline. Affected: yes.
Comment: The c.3550+1G>A pathogenic variant in the ARID1B gene has not been reported previously as a pathogenic variant nor as a benign variant, to our knowledge. This splice site variant destroys the canonical splice donor site in intron 13. It is predicted to cause abnormal gene splicing, either leading to an abnormal message that is subject to nonsense-mediated mRNA decay, or to an abnormal protein product if the message is used for protein translation. The c.3550+1G>A variant was not observed in approximately 6,500 individuals of European and African American ancestry in the NHLBI Exome Sequencing Project, indicating it is not a common benign variant in these populations. We interpret c.3550+1G>A as a pathogenic variant.

NM_001374828.1(ARID1B):c.3919+1G>A

Gene: ARID1B (AT-rich interaction domain 1B; plus strand). Cytogenetic location: 6q25.3.
Variant type: single nucleotide variant.
Coding change: c.3919+1G>A on transcript NM_001374828.1 (MANE Select); the canonical splice donor site of the intron after coding-DNA position 3919, G replaced by A.
Molecular consequence: splice donor variant.
Genome position (GRCh38, 1-based): chr6:157,184,436, G>A. VCF-style: chr6-157184436-G-A. GRCh37 (hg19) VCF-style: chr6-157505570-G-A.
Other names: c.3550+1G>A (NM_020732.3); c.3799+1G>A (NM_001371656.1, NM_001374820.1); c.3760+1G>A (NM_017519.3); c.1420+1G>A (NM_001363725.2).
Identifiers: ClinVar variation 265651 (VCV000265651.2), dbSNP rs886039699, ClinGen allele CA10588413.